The following is an entry in ClinVar:

NM_000257.4(MYH7):c.1303A>G (p.Met435Val)

Gene: MYH7 (myosin heavy chain 7; minus strand). Cytogenetic location: 14q11.2.
Variant type: single nucleotide variant.
Coding change: c.1303A>G on transcript NM_000257.4 (MANE Select); coding-DNA position 1303, A replaced by G.
Protein change: p.Met435Val; replaces methionine 435 with valine.
Molecular consequence: missense variant.
Genome position (GRCh38, 1-based): chr14:23,429,059, T>C on the plus strand (A>G on the coding strand, the complement: MYH7 is on the minus strand). VCF-style: chr14-23429059-T-C. GRCh37 (hg19) VCF-style: chr14-23898268-T-C.
Other names: c.1303A>G, p.Met435Val (NM_001407004.1); short protein forms M435V.
Identifiers: ClinVar variation 5025165 (VCV005025165.1).
Genomic context (GRCh38, chr14:23,429,059, plus strand): 5'-ACTGGCGTGGCTGCTTGGTCTCCAGGGTGGCATTGATGCGCGTCACCATCCAGTTGAACA[T>C]CCTCTCATACACTGCCTTGGCCAGTGCCCCAGTGGCATATATCACCTGCAAGGTGGAGGA-3'
Protein context (NP_000248.2, residues 425-445): GALAKAVYER[Met435Val]FNWMVTRINA

ClinVar aggregate classification (germline): Uncertain significance (1 of 4 stars; one submission).

Conditions:
Cardiovascular phenotype. Identifiers: MedGen CN230736.

Submission:

Ambry Genetics
Classification: Uncertain significance for Cardiovascular phenotype. Last evaluated: 2026-07-07. Review status: criteria provided, single submitter. Criteria: Ambry Variant Classification Scheme 2023. Collection method: clinical testing. Allele origin: germline.
Comment: The p.M435V variant (also known as c.1303A>G), located in coding exon 12 of the MYH7 gene, results from an A to G substitution at nucleotide position 1303. The methionine at codon 435 is replaced by valine, an amino acid with highly similar properties. This amino acid position is conserved. In addition, this alteration is predicted to be deleterious by in silico analysis. Based on the available evidence, the clinical significance of this variant remains unclear.